The following is an entry in ClinVar:

NM_001378030.1(CCDC78):c.791C>T (p.Ala264Val)

Gene: CCDC78 (coiled-coil domain containing 78; minus strand). Cytogenetic location: 16p13.3.
Variant type: single nucleotide variant.
Coding change: c.791C>T on transcript NM_001378030.1 (MANE Select); coding-DNA position 791, C replaced by T.
Protein change: p.Ala264Val; replaces alanine 264 with valine.
Molecular consequence: missense variant. On other transcripts: non-coding transcript variant (5).
Genome position (GRCh38, 1-based): chr16:724,484, G>A on the plus strand (C>T on the coding strand, the complement: CCDC78 is on the minus strand). VCF-style: chr16-724484-G-A. GRCh37 (hg19) VCF-style: chr16-774484-G-A.
Other names: c.791C>T, p.Ala264Val (NM_001031737.3, NM_001378031.1); c.224C>T, p.Ala75Val (NM_001378033.1); short protein forms A75V, A264V.
Identifiers: ClinVar variation 2738693 (VCV002738693.3), dbSNP rs766842372, ClinGen allele CA7789395.

ClinVar aggregate classification (germline): Uncertain significance (1 of 4 stars; one submission).

Conditions:
Congenital myopathy with internal nuclei and atypical cores. Also called: Myopathy, centronuclear, 4. Identifiers: Orphanet 319160, MedGen C4707232, MONDO:0013890, OMIM 614807.

Allele frequency attached by ClinVar (database versions not stated): ExAC 0.00001; TOPMed 0.00001.

Submission:

Labcorp Genetics (formerly Invitae), Labcorp
Classification: Uncertain significance for Congenital myopathy with internal nuclei and atypical cores. Last evaluated: 2024-10-16. Review status: criteria provided, single submitter. Criteria: Invitae Variant Classification Sherloc (09022015). Collection method: clinical testing. Allele origin: germline.
Comment: This sequence change replaces alanine, which is neutral and non-polar, with valine, which is neutral and non-polar, at codon 264 of the CCDC78 protein (p.Ala264Val). The frequency data for this variant in the population databases is considered unreliable, as metrics indicate poor data quality at this position in the gnomAD database. This variant has not been reported in the literature in individuals affected with CCDC78-related conditions. Invitae Evidence Modeling of protein sequence and biophysical properties (such as structural, functional, and spatial information, amino acid conservation, physicochemical variation, residue mobility, and thermodynamic stability) indicates that this missense variant is not expected to disrupt CCDC78 protein function with a negative predictive value of 80%. In summary, the available evidence is currently insufficient to determine the role of this variant in disease. Therefore, it has been classified as a Variant of Uncertain Significance.